The following is an entry in ClinVar:

ClinVar aggregate classification (germline): Conflicting classifications of pathogenicity. Review status: criteria provided, conflicting classifications (1 of 4 stars). 4 submissions from 4 submitters: Uncertain significance (1); Likely benign (3). Last evaluated 2025-11-19.

Conditions:
COL6A3-related disorder. Also called: COL6A3-related condition; COL6A3-related disorders.
Bethlem myopathy 1A. Also called: MYOPATHY, BENIGN CONGENITAL, WITH CONTRACTURES; Bethlem myopathy 1; Bethlem Muscular Dystrophy. Identifiers: Orphanet 610, MedGen CN029274, MONDO:0024530, OMIM 158810.

Allele frequency attached by ClinVar (database versions not stated): gnomAD exomes below 0.00001 and 0.00001; ExAC 0.00001; gnomAD 0.00015 and 0.00017; 1000 Genomes Project 0.00020; TOPMed 0.00023; 1000 Genomes Project 30x 0.00031.
gnomAD v4.1: 44 of 1,613,116 alleles (0.0027%); highest among the groups gnomAD compares: Admixed American, 0.045%; no homozygotes.

Submissions (4):

PreventionGenetics, part of Exact Sciences
Classification: Likely benign for COL6A3-related condition. Last evaluated: 2025-11-19. Review status: criteria provided, single submitter. Criteria: ACMG Guidelines, 2015. Collection method: clinical testing. Allele origin: germline.
Comment: This variant is classified as likely benign based on ACMG/AMP sequence variant interpretation guidelines (Richards et al. 2015 PMID: 25741868, with internal and published modifications).

Labcorp Genetics (formerly Invitae), Labcorp
Classification: Likely benign for Bethlem myopathy 1A. Last evaluated: 2025-11-08. Review status: criteria provided, single submitter. Criteria: Invitae Variant Classification Sherloc (09022015). Collection method: clinical testing. Allele origin: germline.

GeneDx
Classification: Likely benign. Last evaluated: 2020-02-14. Review status: criteria provided, single submitter. Criteria: GeneDx Variant Classification Process June 2021. Collection method: clinical testing. Allele origin: germline. Affected: yes.

Eurofins Ntd Llc (ga)
Classification: Uncertain significance. Last evaluated: 2018-03-22. Review status: criteria provided, single submitter. Criteria: EGL ClinVar v180209 classification definitions. Collection method: clinical testing. Allele origin: germline. Observed: 2 variant alleles, 2 heterozygotes.

NM_004369.4(COL6A3):c.8805G>A (p.Ala2935=)

Gene: COL6A3 (collagen type VI alpha 3 chain; minus strand). Cytogenetic location: 2q37.3.
Variant type: single nucleotide variant.
Coding change: c.8805G>A on transcript NM_004369.4 (MANE Select); coding-DNA position 8805, G replaced by A.
Protein change: p.Ala2935=; no amino-acid change (alanine 2935 retained).
Molecular consequence: synonymous variant.
Genome position (GRCh38, 1-based): chr2:237,336,295, C>T on the plus strand (G>A on the coding strand, the complement: COL6A3 is on the minus strand). VCF-style: chr2-237336295-C-T. GRCh37 (hg19) VCF-style: chr2-238244938-C-T.
Other names: c.6984G>A, p.Ala2328= (NM_057166.5); c.8187G>A, p.Ala2729= (NM_057167.4).
Identifiers: ClinVar variation 286170 (VCV000286170.16), dbSNP rs200111289, ClinGen allele CA2187440.